The following is an entry in ClinVar:

NM_000091.5(COL4A3):c.3656G>C (p.Gly1219Ala)

Genes: COL4A3 (collagen type IV alpha 3 chain; plus strand), MFF-DT (MFF divergent transcript; minus strand). Cytogenetic location: 2q36.3.
Variant type: single nucleotide variant.
Coding change: c.3656G>C on transcript NM_000091.5 (MANE Select); coding-DNA position 3656, G replaced by C.
Protein change: p.Gly1219Ala; replaces glycine 1219 with alanine.
Molecular consequence: missense variant.
Genome position (GRCh38, 1-based): chr2:227,297,764, G>C. VCF-style: chr2-227297764-G-C. GRCh37 (hg19) VCF-style: chr2-228162480-G-C.
Other names: short protein forms G1219A.
Identifiers: ClinVar variation 4817254 (VCV004817254.1).
Genomic context (GRCh38, chr2:227,297,764, plus strand): 5'-TTCCTGGCCTCCCGGGCAGAAAAGGGGCCATGGGAGATGCTGGACCTCGAGGACCCACAG[G>C]CATAGAAGGATTCCCAGGGCCACCAGGTCTGCCCGGTGCAATTATCCCTGGCCAGACAGG-3'
Protein context (NP_000082.2, residues 1209-1229): MGDAGPRGPT[Gly1219Ala]IEGFPGPPGL

ClinVar aggregate classification (germline): Likely pathogenic (1 of 4 stars; one submission).

Conditions:
Alport syndrome. Also called: Hemorrhagic familial nephritis; Hemorrhagic hereditary nephritis; Congenital hereditary hematuria. Identifiers: Orphanet 63, MedGen C1567741, MONDO:0018965.

Submission:

Natera, Inc.
Classification: Likely pathogenic for Alport syndrome. Last evaluated: 2025-08-19. Review status: criteria provided, single submitter. Criteria: Natera Variant Classification Schema (03/2026). Collection method: clinical testing. Allele origin: germline.
Comment: The c.3656G>C variant in COL4A3 is a missense variant predicted to cause substitution of glycine to alanine at amino acid 1219. This variant is rare in the general population with a frequency below the threshold expected for the associated phenotype(s). This variant is located in a functionally critical region of the protein. Computational prediction algorithms indicate this variant is likely to affect gene or protein function. Given the available evidence, this variant is classified as Likely Pathogenic.